The following is an entry in ClinVar:

NM_000083.3(CLCN1):c.1784G>A (p.Trp595Ter)

Gene: CLCN1 (chloride voltage-gated channel 1; plus strand). Cytogenetic location: 7q34.
Variant type: single nucleotide variant.
Coding change: c.1784G>A on transcript NM_000083.3 (MANE Select); coding-DNA position 1784, G replaced by A.
Protein change: p.Trp595Ter; replaces tryptophan 595 with a stop codon.
Molecular consequence: nonsense. On other transcripts: non-coding transcript variant (1).
Genome position (GRCh38, 1-based): chr7:143,342,130, G>A. VCF-style: chr7-143342130-G-A. GRCh37 (hg19) VCF-style: chr7-143039223-G-A.
Other names: short protein forms W595*.
Identifiers: ClinVar variation 639175 (VCV000639175.20), dbSNP rs1586510870, ClinGen allele CA369646777.

ClinVar aggregate classification (germline): Pathogenic. Review status: criteria provided, multiple submitters, no conflicts (2 of 4 stars). 2 submissions from 2 submitters: Pathogenic (2). Last evaluated 2025-02-01.

Conditions:
Congenital myotonia, autosomal dominant form (THD). Also called: THOMSEN DISEASE; Myotonia congenita autosomal dominant. Identifiers: Orphanet 614, MedGen C2936781, MONDO:0008055, OMIM 160800.
Congenital myotonia, autosomal recessive form. Also called: myotonia congenita, autosomal recessive; Becker Generalized Myotonia; BECKER DISEASE. Identifiers: Orphanet 614, MedGen C0751360, MONDO:0009715, OMIM 255700.

Allele frequency attached by ClinVar (database versions not stated): gnomAD exomes below 0.00001.
gnomAD v4.1: 1 of 1,614,096 alleles (0.000062%); highest among the groups gnomAD compares: Non-Finnish European, 0.000085%; no homozygotes.

Submissions (2):

CeGaT Center for Human Genetics Tuebingen
Classification: Pathogenic. Last evaluated: 2025-02-01. Review status: criteria provided, single submitter. Criteria: CeGaT Center For Human Genetics Tuebingen Variant Classification Criteria Version 2. Collection method: clinical testing. Allele origin: germline. Affected: yes. Observed: 1 variant allele.
Comment: CLCN1: PVS1, PM2

Labcorp Genetics (formerly Invitae), Labcorp
Classification: Pathogenic for Congenital myotonia, autosomal recessive form; Congenital myotonia, autosomal dominant form. Last evaluated: 2018-07-11. Review status: criteria provided, single submitter. Criteria: Invitae Variant Classification Sherloc (09022015). Collection method: clinical testing. Allele origin: germline.
Comment: This sequence change creates a premature translational stop signal (p.Trp595*) in the CLCN1 gene. It is expected to result in an absent or disrupted protein product. This variant is not present in population databases (ExAC no frequency). This variant has not been reported in the literature in individuals with CLCN1-related disease. A different variant (c.1785G>A) giving rise to the same protein effect observed here (p.Trp595*) has been reported in an individual affected with myotonia congenita (PMID: 23739125). Loss-of-function variants in CLCN1 are known to be pathogenic (PMID: 17932099, 22094069, 23739125). For these reasons, this variant has been classified as Pathogenic.

Literature cited by the submitters: PubMed 23739125 (cited by Labcorp Genetics (formerly Invitae), Labcorp); PubMed 17932099 (cited by Labcorp Genetics (formerly Invitae), Labcorp); PubMed 22094069 (cited by Labcorp Genetics (formerly Invitae), Labcorp).